The following is an entry in ClinVar:

NM_000179.3(MSH6):c.1979_1982del (p.Lys660fs)

Gene: MSH6 (mutS homolog 6; plus strand). Cytogenetic location: 2p16.3.
Variant type: Deletion.
Coding change: c.1979_1982del on transcript NM_000179.3 (MANE Select); coding-DNA positions 1979 to 1982, 4 bases deleted (AAGG; older notation c.1979_1982delAAGG).
Protein change: p.Lys660fs; shifts the reading frame from lysine 660.
Molecular consequence: frameshift variant.
Genome position (GRCh38, 1-based): chr2:47,799,962-47,799,965, AAGG deleted. VCF-style (leftmost placement, unchanged base first): chr2-47799961-AAAGG-A. GRCh37 (hg19) VCF-style: chr2-48027100-AAAGG-A.
Other names: c.1589_1592del, p.Lys530fs (NM_001281492.2); c.1073_1076del, p.Lys358fs (NM_001281493.2, NM_001281494.2); c.2075_2078delAAGG, p.Lys692Ilefs (NM_001406795.1, NM_001406802.1); c.1979_1982delAAGG, p.Lys660Ilefs (NM_001406796.1, NM_001406798.1, NM_001406800.1 and 3 more transcripts); c.1682_1685delAAGG, p.Lys561Ilefs (NM_001406797.1, NM_001406801.1, NM_001406805.1 and 10 more transcripts); c.1454_1457delAAGG, p.Lys485Ilefs (NM_001406799.1, NM_001406806.1, NM_001406807.1); c.1901_1904delAAGG, p.Lys634Ilefs (NM_001406804.1); c.1073_1076delAAGG, p.Lys358Ilefs (NM_001406811.1, NM_001406812.1, NM_001406814.1 and 4 more transcripts); and 2 more; short protein forms K660fs, K358fs, K530fs.
Identifiers: ClinVar variation 1783756 (VCV001783756.2), dbSNP rs2530642736, ClinGen allele CA2580067742.
Genomic context (GRCh38, chr2:47,799,961, plus strand): 5'-GAAGAATATTTTAGGGAAAAGCTAAGTGATGGCATTGGGGTGATGTTACCCCAGGTGCTT[AAAGG>A]TATGACTTCAGAGTCTGATTCCATTGGGTTGACACCAGGAGAGAAAAGTGAATTGGCCCT-3'

ClinVar aggregate classification (germline): Pathogenic (1 of 4 stars; one submission).

Conditions:
Hereditary cancer-predisposing syndrome. Also called: Neoplastic Syndromes, Hereditary; Tumor predisposition; Hereditary Cancer Syndrome; Hereditary neoplastic syndrome. Identifiers: Orphanet 140162, MedGen C0027672, MeSH D009386, MONDO:0015356.

Submission:

Ambry Genetics
Classification: Pathogenic for Hereditary cancer-predisposing syndrome. Last evaluated: 2019-11-18. Review status: criteria provided, single submitter. Criteria: Ambry Variant Classification Scheme 2023. Collection method: clinical testing. Allele origin: germline.
Comment: The c.1979_1982delAAGG variant, located in coding exon 4 of the MSH6 gene, results from a deletion of 4 nucleotides at nucleotide positions 1979 to 1982, causing a translational frameshift with a predicted alternate stop codon (p.K660Ifs*2). This alteration is expected to result in loss of function by premature protein truncation or nonsense-mediated mRNA decay. As such, this alteration is interpreted as a disease-causing mutation.